The following is an entry in ClinVar:

NM_133642.5(LARGE1):c.493C>T (p.Arg165Trp)

Gene: LARGE1 (LARGE xylosyl- and glucuronyltransferase 1; minus strand). Cytogenetic location: 22q12.3.
Variant type: single nucleotide variant.
Coding change: c.493C>T on transcript NM_133642.5 (MANE Select); coding-DNA position 493, C replaced by T.
Protein change: p.Arg165Trp; replaces arginine 165 with tryptophan.
Molecular consequence: missense variant.
Genome position (GRCh38, 1-based): chr22:33,604,557, G>A on the plus strand (C>T on the coding strand, the complement: LARGE1 is on the minus strand). VCF-style: chr22-33604557-G-A. GRCh37 (hg19) VCF-style: chr22-34000543-G-A.
Other names: c.493C>T, p.Arg165Trp (NM_001362949.2, NM_001362951.2, NM_001362953.2 and 7 more transcripts); short protein forms R165W.
Identifiers: ClinVar variation 464476 (VCV000464476.44), dbSNP rs765312193, ClinGen allele CA10203014.
Genomic context (GRCh38, chr22:33,604,557, plus strand): 5'-GCGTGGCCAGGATCTGCTCCGCAATGGAGTCAGCAATAAGGTGGAAGTGCAGAGGGTTCC[G>A]TCTGTGGGGAGTGTGAGAAGGAAGGGTCAGGTGGAGAGGTACGGCTCTTTGAATTACAGC-3'
Protein context (NP_598397.1, residues 155-175): TLVKSVLFHR[Arg165Trp]NPLHFHLIAD

ClinVar aggregate classification (germline): Uncertain significance. Review status: criteria provided, multiple submitters, no conflicts (2 of 4 stars). 2 submissions from 2 submitters: Uncertain significance (2). Last evaluated 2021-08-27.

Conditions:
Muscular dystrophy-dystroglycanopathy type B6 (MDDGB6). Also called: MUSCULAR DYSTROPHY, CONGENITAL, LARGE-RELATED; MUSCULAR DYSTROPHY, CONGENITAL, TYPE 1D; MUSCULAR DYSTROPHY-DYSTROGLYCANOPATHY (CONGENITAL WITH IMPAIRED INTELLECTUAL DEVELOPMENT), TYPE B, 6. Identifiers: MedGen C1837229, MONDO:0012138, OMIM 608840.

Allele frequency attached by ClinVar (database versions not stated): TOPMed below 0.00001; ExAC 0.00001; gnomAD exomes 0.00001.
gnomAD v4.1: 9 of 1,614,020 alleles (0.00056%); highest among the groups gnomAD compares: Non-Finnish European, 0.00068%; no homozygotes.

Submissions (2):

Labcorp Genetics (formerly Invitae), Labcorp
Classification: Uncertain significance for Muscular dystrophy-dystroglycanopathy type B6. Last evaluated: 2021-08-27. Review status: criteria provided, single submitter. Criteria: Invitae Variant Classification Sherloc (09022015). Collection method: clinical testing. Allele origin: germline.
Comment: This sequence change replaces arginine with tryptophan at codon 165 of the LARGE1 protein (p.Arg165Trp). The arginine residue is highly conserved and there is a moderate physicochemical difference between arginine and tryptophan. This variant is present in population databases (rs765312193, ExAC 0.001%). This variant has not been reported in the literature in individuals affected with LARGE1-related conditions. Algorithms developed to predict the effect of missense changes on protein structure and function are either unavailable or do not agree on the potential impact of this missense change (SIFT: "Deleterious"; PolyPhen-2: "Probably Damaging"; Align-GVGD: "Class C0"). In summary, the available evidence is currently insufficient to determine the role of this variant in disease. Therefore, it has been classified as a Variant of Uncertain Significance.

CeGaT Center for Human Genetics Tuebingen
Classification: Uncertain significance. Last evaluated: 2017-11-01. Review status: criteria provided, single submitter. Criteria: CeGaT Center For Human Genetics Tuebingen Variant Classification Criteria Version 2. Collection method: clinical testing. Allele origin: germline. Affected: yes. Observed: 1 variant allele.